The following is an entry in ClinVar:

NM_003482.4(KMT2D):c.13729G>T (p.Ala4577Ser)

Gene: KMT2D (lysine methyltransferase 2D; minus strand). Cytogenetic location: 12q13.12.
Variant type: single nucleotide variant.
Coding change: c.13729G>T on transcript NM_003482.4 (MANE Select); coding-DNA position 13729, G replaced by T.
Protein change: p.Ala4577Ser; replaces alanine 4577 with serine.
Molecular consequence: missense variant.
Genome position (GRCh38, 1-based): chr12:49,030,711, C>A on the plus strand (G>T on the coding strand, the complement: KMT2D is on the minus strand). VCF-style: chr12-49030711-C-A. GRCh37 (hg19) VCF-style: chr12-49424494-C-A.
Other names: short protein forms A4577S.
Identifiers: ClinVar variation 2632357 (VCV002632357.1), dbSNP rs2120407144, ClinGen allele CA384702486.

ClinVar aggregate classification (germline): Uncertain significance (1 of 4 stars; one submission).

Conditions:
KMT2D-related disorder. Also called: KMT2D-Related Disorders.

Submission:

PreventionGenetics, part of Exact Sciences
Classification: Uncertain significance for KMT2D-related condition. Last evaluated: 2023-06-27. Review status: criteria provided, single submitter. Criteria: ACMG Guidelines, 2015. Collection method: clinical testing. Allele origin: germline.
Comment: The KMT2D c.13729G>T variant is predicted to result in the amino acid substitution p.Ala4577Ser. To our knowledge, this variant has not been reported in the literature or in a large population database, indicating this variant is rare. At this time, the clinical significance of this variant is uncertain due to the absence of conclusive functional and genetic evidence.